The following is an entry in ClinVar:

NM_007294.4(BRCA1):c.519T>A (p.Pro173=)

Gene: BRCA1 (BRCA1 DNA repair associated; minus strand). Cytogenetic location: 17q21.31.
Variant type: single nucleotide variant.
Coding change: c.519T>A on transcript NM_007294.4 (MANE Select); coding-DNA position 519, T replaced by A.
Protein change: p.Pro173=; no amino-acid change (proline 173 retained).
Molecular consequence: synonymous variant. On other transcripts: intron variant (2).
Genome position (GRCh38, 1-based): chr17:43,099,803, A>T on the plus strand (T>A on the coding strand, the complement: BRCA1 is on the minus strand). VCF-style: chr17-43099803-A-T. GRCh37 (hg19) VCF-style: chr17-41251820-A-T.
Other names: c.306T>A, p.Pro102= (NM_001407571.1, NM_001407853.1, NM_001408490.1 and 18 more transcripts); c.519T>A, p.Pro173= (NM_001407581.1, NM_001407582.1, NM_001407583.1 and 97 more transcripts); c.516T>A, p.Pro172= (NM_001407587.1, NM_001407590.1, NM_001407591.1 and 65 more transcripts); c.510T>A, p.Pro170= (NM_001407646.1, NM_001407647.1, NM_001408408.1); c.441T>A, p.Pro147= (NM_001407653.1, NM_001407654.1, NM_001407655.1 and 12 more transcripts); c.438T>A, p.Pro146= (NM_001407659.1, NM_001407660.1, NM_001407661.1 and 6 more transcripts); c.378T>A, p.Pro126= (NM_001407692.1, NM_001407694.1, NM_001407695.1 and 61 more transcripts); c.384T>A, p.Pro128= (NM_001408451.1); and 5 more.
Identifiers: ClinVar variation 231469 (VCV000231469.21), dbSNP rs876659179, ClinGen allele CA10580692.

ClinVar aggregate classification (germline): Likely benign. Review status: reviewed by expert panel (3 of 4 stars). 3 submissions from 3 submitters: Likely benign (1). 2 of the submissions do not count toward it. Last evaluated 2017-06-29.

Conditions:
Hereditary cancer-predisposing syndrome. Also called: Tumor predisposition; Hereditary Cancer Syndrome; Neoplastic Syndromes, Hereditary; Hereditary neoplastic syndrome. Identifiers: Orphanet 140162, MedGen C0027672, MeSH D009386, MONDO:0015356.
Hereditary breast ovarian cancer syndrome. Also called: Breast and ovarian cancer; Hereditary breast and ovarian cancer; Hereditary breast and ovarian cancer syndrome; Hereditary breast and/or ovarian cancer syndrome; BRCA1- and BRCA2-Associated Hereditary Breast and Ovarian Cancer; Hereditary breast and ovarian cancer syndrome (HBOC). Identifiers: Orphanet 145, MedGen C0677776, MeSH D061325, MONDO:0003582. Disease mechanism: loss of function.
Breast-ovarian cancer, familial, susceptibility to, 1 (BROVCA1). Also called: BRCA1 Hereditary Breast and Ovarian Cancer; OVARIAN CANCER, SUSCEPTIBILITY TO. Identifiers: Orphanet 145, MedGen C2676676, MONDO:0011450, OMIM 604370. Disease mechanism: loss of function.

Allele frequency attached by ClinVar (database versions not stated): gnomAD exomes below 0.00001.
gnomAD v4.1: 2 of 1,612,604 alleles (0.00012%); highest among the groups gnomAD compares: South Asian, 0.0022%; no homozygotes.

Submissions (3):

Evidence-based Network for the Interpretation of Germline Mutant Alleles (ENIGMA)
Classification: Likely benign for Breast-ovarian cancer, familial, susceptibility to, 1. Last evaluated: 2017-06-29. Review status: reviewed by expert panel. Criteria: ENIGMA BRCA1/2 Classification Criteria (2017-06-29). Collection method: curation. Allele origin: germline.
Comment: Synonymous substitution variant, with low bioinformatic likelihood to result in a splicing aberration (Splicing prior probability 0.02).

Labcorp Genetics (formerly Invitae), Labcorp
Classification: Likely benign for Hereditary breast ovarian cancer syndrome. Last evaluated: 2023-09-14. Review status: criteria provided, single submitter. Criteria: Invitae Variant Classification Sherloc (09022015). Collection method: clinical testing. Allele origin: germline. Not counted in ClinVar's aggregate classification.

Ambry Genetics
Classification: Likely benign for Hereditary cancer-predisposing syndrome. Last evaluated: 2015-04-21. Review status: criteria provided, single submitter. Criteria: Ambry Variant Classification Scheme 2023. Collection method: clinical testing. Allele origin: germline. Not counted in ClinVar's aggregate classification.